The following is an entry in ClinVar:

ClinVar aggregate classification (germline): Uncertain significance. Review status: criteria provided, multiple submitters, no conflicts (2 of 4 stars). 3 submissions from 3 submitters: Uncertain significance (3). Last evaluated 2025-02-26.

Conditions:
Dilated cardiomyopathy 1HH (CMD1HH). Identifiers: Orphanet 154, MedGen C3151293, MONDO:0013479, OMIM 613881.
Myofibrillar myopathy 6. Identifiers: Orphanet 199340, MedGen C2751831, MONDO:0013061, OMIM 612954.
Cardiovascular phenotype. Identifiers: MedGen CN230736.

Allele frequency attached by ClinVar (database versions not stated): gnomAD 0.00001; gnomAD exomes 0.00001; TOPMed 0.00001.
gnomAD v4.1: 11 of 1,614,040 alleles (0.00068%); highest among the groups gnomAD compares: Non-Finnish European, 0.00093%; no homozygotes.

Submissions (3):

Labcorp Genetics (formerly Invitae), Labcorp
Classification: Uncertain significance for Dilated cardiomyopathy 1HH; Myofibrillar myopathy 6. Last evaluated: 2025-02-26. Review status: criteria provided, single submitter. Criteria: Invitae Variant Classification Sherloc (09022015). Collection method: clinical testing. Allele origin: germline.
Comment: This sequence change replaces alanine, which is neutral and non-polar, with threonine, which is neutral and polar, at codon 281 of the BAG3 protein (p.Ala281Thr). This variant is present in population databases (no rsID available, gnomAD 0.002%). This missense change has been observed in individual(s) with dilated cardiomyopathy (PMID: 28416588). ClinVar contains an entry for this variant (Variation ID: 1413809). Invitae Evidence Modeling of protein sequence and biophysical properties (such as structural, functional, and spatial information, amino acid conservation, physicochemical variation, residue mobility, and thermodynamic stability) indicates that this missense variant is not expected to disrupt BAG3 protein function with a negative predictive value of 80%. In summary, the available evidence is currently insufficient to determine the role of this variant in disease. Therefore, it has been classified as a Variant of Uncertain Significance.

Revvity Omics, Revvity
Classification: Uncertain significance. Last evaluated: 2024-09-23. Review status: criteria provided, single submitter. Criteria: ACMG Guidelines, 2015. Collection method: clinical testing. Allele origin: germline.

Ambry Genetics
Classification: Uncertain significance for Cardiovascular phenotype. Last evaluated: 2024-07-22. Review status: criteria provided, single submitter. Criteria: Ambry Variant Classification Scheme 2023. Collection method: clinical testing. Allele origin: germline.
Comment: The p.A281T variant (also known as c.841G>A), located in coding exon 3 of the BAG3 gene, results from a G to A substitution at nucleotide position 841. The alanine at codon 281 is replaced by threonine, an amino acid with similar properties. This variant has been detected in dilated cardiomyopathy cohorts; however, details were limited (Dal Ferro M et al. Heart, 2017 Nov;103:1704-1710; Perret C et al. Clin Genet, 2024 Feb;105:185-189). This amino acid position is not well conserved in available vertebrate species. In addition, this alteration is predicted to be tolerated by in silico analysis. Based on the available evidence, the clinical significance of this variant remains unclear.

Literature cited by the submitters: PubMed 28416588 (cited by Labcorp Genetics (formerly Invitae), Labcorp and Ambry Genetics); PubMed 37904629 (cited by Ambry Genetics).

NM_004281.4(BAG3):c.841G>A (p.Ala281Thr)

Gene: BAG3 (BAG cochaperone 3; plus strand). Cytogenetic location: 10q26.11.
Variant type: single nucleotide variant.
Coding change: c.841G>A on transcript NM_004281.4 (MANE Select); coding-DNA position 841, G replaced by A.
Protein change: p.Ala281Thr; replaces alanine 281 with threonine.
Molecular consequence: missense variant.
Genome position (GRCh38, 1-based): chr10:119,672,588, G>A. VCF-style: chr10-119672588-G-A. GRCh37 (hg19) VCF-style: chr10-121432100-G-A.
Other names: c.841G>A (NM_004281.3); short protein forms A281T.
Identifiers: ClinVar variation 1413809 (VCV001413809.8), dbSNP rs1248777510, ClinGen allele CA378295904.